The following is an entry in ClinVar:

ClinVar aggregate classification (germline): Uncertain significance. Review status: criteria provided, multiple submitters, no conflicts (2 of 4 stars). 8 submissions from 8 submitters: Uncertain significance (7). 1 of the submissions does not count toward it. Last evaluated 2025-12-15.

Conditions:
FANCC-related disorder. Also called: FANCC-related condition.
Hereditary cancer-predisposing syndrome. Also called: Neoplastic Syndromes, Hereditary; Hereditary neoplastic syndrome; Tumor predisposition; Hereditary Cancer Syndrome. Identifiers: Orphanet 140162, MedGen C0027672, MeSH D009386, MONDO:0015356.
Fanconi anemia (FA). Also called: Fanconi's anemia. Identifiers: Orphanet 84, MedGen C0015625, MeSH D005199, MONDO:0019391.
Fanconi anemia complementation group C (FANCC). Also called: FANCC-Related Fanconi Anemia; FANCONI PANCYTOPENIA, TYPE 3; FACC; Fanconi anemia, group C. Identifiers: Orphanet 84, MedGen C3468041, MONDO:0009213, OMIM 227645.

Allele frequency attached by ClinVar (database versions not stated): gnomAD exomes 0.00001 and below 0.00001; gnomAD 0.00007 and 0.00009; TOPMed 0.00006; ExAC 0.00001.
gnomAD v4.1: 17 of 1,613,996 alleles (0.0011%); highest among the groups gnomAD compares: Admixed American, 0.017%; no homozygotes.

Submissions (8):

Ambry Genetics
Classification: Uncertain significance for Hereditary cancer-predisposing syndrome. Last evaluated: 2025-12-15. Review status: criteria provided, single submitter. Criteria: Ambry Variant Classification Scheme 2023. Collection method: clinical testing. Allele origin: germline.
Comment: The p.L530S variant (also known as c.1589T>C), located in coding exon 14 of the FANCC gene, results from a T to C substitution at nucleotide position 1589. The leucine at codon 530 is replaced by serine, an amino acid with dissimilar properties. This variant has been reported in 1/1120 pediatric cancer patients who underwent whole genome sequencing and/or whole exome sequencing; this patient was diagnosed with B-cell acute lymphoblastic leukemia (Zhang J et al. N Engl J Med, 2015 Dec;373:2336-2346). This amino acid position is well conserved in available vertebrate species. In addition, this alteration is predicted to be tolerated by in silico analysis. Since supporting evidence is limited at this time, the clinical significance of this alteration remains unclear.

Quest Diagnostics Nichols Institute San Juan Capistrano
Classification: Uncertain significance. Last evaluated: 2025-03-21. Review status: criteria provided, single submitter. Criteria: Quest Diagnostics criteria. Collection method: clinical testing. Allele origin: unknown.
Comment: The FANCC c.1589T>C (p.Leu530Ser) variant has been reported in the published literature in individuals affected with breast cancer (PMID: 33471991 (2021), see also LOVD) and B-cell acute lymphoblastic leukemia (B-ALL) (PMID: 26580448 (2015)). The frequency of this variant in the general population (Genome Aggregation Database) is uninformative in the assessment of its pathogenicity. Analysis of this variant using bioinformatics tools for the prediction of the effect of amino acid changes on protein structure and function yielded conflicting predictions that this variant is benign or damaging. Based on the available information, we are unable to determine the clinical significance of this variant.

PreventionGenetics, part of Exact Sciences
Classification: Uncertain significance for FANCC-related condition. Last evaluated: 2025-01-16. Review status: criteria provided, single submitter. Criteria: ACMG Guidelines, 2015. Collection method: clinical testing. Allele origin: germline.
Comment: The FANCC c.1589T>C variant is predicted to result in the amino acid substitution p.Leu530Ser. This variant has been reported as an uncertain variant in a pediatric patient with B-cell acute lymphoblastic leukemia who underwent whole exome sequencing (Table S4b, Zhang et al. 2015. PubMed ID: 26580448). This variant has also been reported in an individual with breast cancer (Supplementary Data, Breast Cancer Association Consortium et al. 2021. PubMed ID: 33471991). This variant is reported in 0.0062% of alleles in individuals of African descent in gnomAD and is interpreted as uncertain in ClinVar. At this time, the clinical significance of this variant is uncertain due to the absence of conclusive functional and genetic evidence.

Labcorp Genetics (formerly Invitae), Labcorp
Classification: Uncertain significance for Fanconi anemia. Last evaluated: 2024-10-29. Review status: criteria provided, single submitter. Criteria: Invitae Variant Classification Sherloc (09022015). Collection method: clinical testing. Allele origin: germline.
Comment: This sequence change replaces leucine, which is neutral and non-polar, with serine, which is neutral and polar, at codon 530 of the FANCC protein (p.Leu530Ser). This variant is present in population databases (rs766809608, gnomAD 0.007%). This variant has not been reported in the literature in individuals affected with FANCC-related conditions. ClinVar contains an entry for this variant (Variation ID: 216284). Invitae Evidence Modeling of protein sequence and biophysical properties (such as structural, functional, and spatial information, amino acid conservation, physicochemical variation, residue mobility, and thermodynamic stability) indicates that this missense variant is not expected to disrupt FANCC protein function with a negative predictive value of 80%. In summary, the available evidence is currently insufficient to determine the role of this variant in disease. Therefore, it has been classified as a Variant of Uncertain Significance.

GeneDx
Classification: Uncertain significance. Last evaluated: 2024-03-28. Review status: criteria provided, single submitter. Criteria: GeneDx Variant Classification Process June 2021. Collection method: clinical testing. Allele origin: germline. Affected: yes.
Comment: Not observed at significant frequency in large population cohorts (gnomAD); In silico analysis supports that this missense variant does not alter protein structure/function; Identified in patients with breast cancer or leukemia (PMID: 33471991, 26580448); This variant is associated with the following publications: (PMID: 26580448, Gordon2000[Book], 33471991)

Fulgent Genetics
Classification: Uncertain significance for Fanconi anemia complementation group C. Last evaluated: 2024-02-05. Review status: criteria provided, single submitter. Criteria: ACMG Guidelines, 2015. Collection method: clinical testing. Allele origin: germline.

Sema4
Classification: Uncertain significance for Fanconi anemia. Last evaluated: 2021-09-03. Review status: criteria provided, single submitter. Criteria: Sema4 Curation Guidelines. Collection method: curation. Allele origin: germline.
Comment: The FANCC c.1589T>C (p.L530S) variant has been reported in at least one individual with breast cancer (PMID: 33471991). It was observed in 3/251396 chromosomes in the large and broad cohorts of the Genome Aggregation Database (PMID: 32461654). The variant has been reported in ClinVar (Variation ID 216284). Functional studies have not been performed, and in silico predictions of the variant's effect on protein function are inconclusive. The evidence is insufficient to meet ACMG/AMP criteria for classifying the variant as benign or pathogenic. Thus, the clinical significance of this variant is currently uncertain.

Natera, Inc.
Classification: Uncertain significance for Fanconi anemia. Last evaluated: 2018-07-24. Review status: no assertion criteria provided. Collection method: clinical testing. Allele origin: germline. Not counted in ClinVar's aggregate classification.

Literature cited by the submitters: PubMed 26580448 (cited by Ambry Genetics and Quest Diagnostics Nichols Institute San Juan Capistrano); PubMed 33471991 (cited by Quest Diagnostics Nichols Institute San Juan Capistrano and Sema4).

NM_000136.3(FANCC):c.1589T>C (p.Leu530Ser)

Genes: AOPEP (aminopeptidase O (putative); plus strand), FANCC (FA complementation group C; minus strand). Cytogenetic location: 9q22.32.
Variant type: single nucleotide variant.
Coding change: c.1589T>C on transcript NM_000136.3 (MANE Select); coding-DNA position 1589, T replaced by C.
Protein change: p.Leu530Ser; replaces leucine 530 with serine.
Molecular consequence: missense variant.
Genome position (GRCh38, 1-based): chr9:95,101,795, A>G on the plus strand (T>C on the coding strand, the complement: FANCC is on the minus strand). VCF-style: chr9-95101795-A-G. GRCh37 (hg19) VCF-style: chr9-97864077-A-G.
Other names: c.1589T>C, p.Leu530Ser (NM_001243743.2); short protein forms L530S.
Identifiers: ClinVar variation 216284 (VCV000216284.31), dbSNP rs766809608, ClinGen allele CA337625.